The following is an entry in ClinVar:

NM_020964.3(EPG5):c.2355del (p.Arg786fs)

Gene: EPG5 (ectopic P-granules 5 autophagy tethering factor; minus strand). Cytogenetic location: 18q21.1.
Variant type: Deletion.
Coding change: c.2355del on transcript NM_020964.3 (MANE Select); coding-DNA position 2355, one base deleted (C; older notation c.2355delC).
Protein change: p.Arg786fs; shifts the reading frame from arginine 786.
Molecular consequence: frameshift variant.
Genome position (GRCh38, 1-based): chr18:45,930,733, G deleted on the plus strand (C on the coding strand, the reverse complement: EPG5 is on the minus strand); the first of 2 consecutive G bases (chr18:45,930,733-45,930,734); deleting either gives the same sequence. VCF-style (leftmost placement, unchanged base first): chr18-45930732-TG-T. GRCh37 (hg19) VCF-style: chr18-43510698-TG-T.
Other names: c.2354delC, p.Arg786Glufs (NM_001410858.1, NM_001410859.1); short protein forms R786fs.
Identifiers: ClinVar variation 2138148 (VCV002138148.4), dbSNP rs2511921909, ClinGen allele CA2580095724.

ClinVar aggregate classification (germline): Pathogenic (1 of 4 stars; one submission).

Conditions:
Vici syndrome (VICIS). Identifiers: Orphanet 1493, MedGen C1855772, MONDO:0009452, OMIM 242840.

Submission:

Labcorp Genetics (formerly Invitae), Labcorp
Classification: Pathogenic for Vici syndrome. Last evaluated: 2022-04-06. Review status: criteria provided, single submitter. Criteria: Invitae Variant Classification Sherloc (09022015). Collection method: clinical testing. Allele origin: germline.
Comment: For these reasons, this variant has been classified as Pathogenic. This premature translational stop signal has been observed in individual(s) with Vici syndrome (PMID: 26917586). This variant is not present in population databases (gnomAD no frequency). This sequence change creates a premature translational stop signal (p.Arg786Glufs*10) in the EPG5 gene. It is expected to result in an absent or disrupted protein product. Loss-of-function variants in EPG5 are known to be pathogenic (PMID: 23222957, 23674064).

Literature cited by the submitters: PubMed 26917586; PubMed 23222957; PubMed 23674064.